The following is an entry in ClinVar:

NM_002223.4(ITPR2):c.1905A>G (p.Ser635=)

Gene: ITPR2 (inositol 1,4,5-trisphosphate receptor type 2; minus strand). Cytogenetic location: 12p11.23.
Variant type: single nucleotide variant.
Coding change: c.1905A>G on transcript NM_002223.4 (MANE Select); coding-DNA position 1905, A replaced by G.
Protein change: p.Ser635=; no amino-acid change (serine 635 retained).
Molecular consequence: synonymous variant.
Genome position (GRCh38, 1-based): chr12:26,658,112, T>C on the plus strand (A>G on the coding strand, the complement: ITPR2 is on the minus strand). VCF-style: chr12-26658112-T-C. GRCh37 (hg19) VCF-style: chr12-26811045-T-C.
Other names: c.1902A>G, p.Ser634= (NM_001414174.1); c.1905A>G, p.Ser635= (NM_001414175.1).
Identifiers: ClinVar variation 3055783 (VCV003055783.2), dbSNP rs12313993, ClinGen allele CA6489738.

ClinVar aggregate classification (germline): Benign (0 of 4 stars; one submission).

Conditions:
ITPR2-related disorder. Also called: ITPR2-related condition.

Allele frequency attached by ClinVar (database versions not stated): 1000 Genomes Project 0.20607; 1000 Genomes Project 30x 0.21487; TOPMed 0.21774; ESP Exome Variant Server 0.23119.
gnomAD v4.1: 273,109 of 1,562,392 alleles (17%); highest among the groups gnomAD compares: African/African-American, 37%; 26,848 homozygotes.

Submission:

PreventionGenetics, part of Exact Sciences
Classification: Benign for ITPR2-related condition. Last evaluated: 2019-11-05. Review status: no assertion criteria provided. Collection method: clinical testing. Allele origin: germline.
Comment: This variant is classified as benign based on ACMG/AMP sequence variant interpretation guidelines (Richards et al. 2015 PMID: 25741868, with internal and published modifications).